The following is an entry in ClinVar:

ClinVar aggregate classification (germline): Uncertain significance (1 of 4 stars; one submission).

Submission:

Labcorp Genetics (formerly Invitae), Labcorp
Classification: Uncertain significance. Last evaluated: 2025-06-08. Review status: criteria provided, single submitter. Criteria: Invitae Variant Classification Sherloc (09022015). Collection method: clinical testing. Allele origin: germline.
Comment: This sequence change replaces aspartic acid, which is acidic and polar, with glutamic acid, which is acidic and polar, at codon 698 of the ENPP1 protein (p.Asp698Glu). This variant is not present in population databases (gnomAD no frequency). This variant has not been reported in the literature in individuals affected with ENPP1-related conditions. Invitae Evidence Modeling of protein sequence and biophysical properties (such as structural, functional, and spatial information, amino acid conservation, physicochemical variation, residue mobility, and thermodynamic stability) indicates that this missense variant is not expected to disrupt ENPP1 protein function with a negative predictive value of 80%. In summary, the available evidence is currently insufficient to determine the role of this variant in disease. Therefore, it has been classified as a Variant of Uncertain Significance.

NM_006208.3(ENPP1):c.2094C>G (p.Asp698Glu)

Gene: ENPP1 (ectonucleotide pyrophosphatase/phosphodiesterase 1; plus strand). Cytogenetic location: 6q23.2.
Variant type: single nucleotide variant.
Coding change: c.2094C>G on transcript NM_006208.3 (MANE Select); coding-DNA position 2094, C replaced by G.
Protein change: p.Asp698Glu; replaces aspartic acid 698 with glutamic acid.
Molecular consequence: missense variant.
Genome position (GRCh38, 1-based): chr6:131,880,028, C>G. VCF-style: chr6-131880028-C-G. GRCh37 (hg19) VCF-style: chr6-132201168-C-G.
Other names: short protein forms D698E.
Identifiers: ClinVar variation 4737174 (VCV004737174.1).
Genomic context (GRCh38, chr6:131,880,028, plus strand): 5'-GTTTATGAGTGGATACAGCCAAGACATCTTAATGCCCCTTTGGACATCCTATACCGTGGA[C>G]AGAAATGCAAGTATTTGTCACCTCTTTATGTGTGGCCATTTCAAATTAATGATTAAGCAG-3'
Protein context (NP_006199.2, residues 688-708): LMPLWTSYTV[Asp698Glu]RNDSFSTEDF